The following is an entry in ClinVar:

NM_000264.5(PTCH1):c.461A>G (p.Asn154Ser)

Gene: PTCH1 (patched 1; minus strand). Cytogenetic location: 9q22.32.
Variant type: single nucleotide variant.
Coding change: c.461A>G on transcript NM_000264.5 (MANE Select); coding-DNA position 461, A replaced by G.
Protein change: p.Asn154Ser; replaces asparagine 154 with serine.
Molecular consequence: missense variant. On other transcripts: non-coding transcript variant (1).
Genome position (GRCh38, 1-based): chr9:95,485,808, T>C on the plus strand (A>G on the coding strand, the complement: PTCH1 is on the minus strand). VCF-style: chr9-95485808-T-C. GRCh37 (hg19) VCF-style: chr9-98248090-T-C.
Other names: c.263A>G, p.Asn88Ser (NM_001083602.3, NM_001354919.2); c.458A>G, p.Asn153Ser (NM_001083603.3); c.8A>G, p.Asn3Ser (NM_001083604.3, NM_001083605.3, NM_001083606.3 and 1 more transcripts); c.461A>G, p.Asn154Ser (NM_001354918.2); short protein forms N153S, N154S, N3S, N88S.
Identifiers: ClinVar variation 3344221 (VCV003344221.4).

ClinVar aggregate classification (germline): Conflicting classifications of pathogenicity. Review status: criteria provided, conflicting classifications (1 of 4 stars). 3 submissions from 3 submitters: Uncertain significance (1); Benign (1). 1 of the submissions does not count toward it. Last evaluated 2025-04-03.

Conditions:
PTCH1-related disorder. Also called: PTCH1-related disorders; PTCH1-related condition.
Hereditary cancer-predisposing syndrome. Also called: Hereditary Cancer Syndrome; Tumor predisposition; Neoplastic Syndromes, Hereditary; Hereditary neoplastic syndrome. Identifiers: Orphanet 140162, MedGen C0027672, MeSH D009386, MONDO:0015356.
Gorlin syndrome. Also called: Basal cell nevus syndrome; Nevoid Basal Cell Carcinoma Syndrome. Identifiers: Orphanet 377, MedGen C0004779, MONDO:0007187.

Submissions (3):

Ambry Genetics
Classification: Uncertain significance for Hereditary cancer-predisposing syndrome. Last evaluated: 2025-04-03. Review status: criteria provided, single submitter. Criteria: Ambry Variant Classification Scheme 2023. Collection method: clinical testing. Allele origin: germline.
Comment: The p.N154S variant (also known as c.461A>G), located in coding exon 3 of the PTCH1 gene, results from an A to G substitution at nucleotide position 461. The asparagine at codon 154 is replaced by serine, an amino acid with highly similar properties. This amino acid position is well conserved in available vertebrate species. In addition, this alteration is predicted to be tolerated by in silico analysis. Based on the available evidence, the clinical significance of this variant remains unclear.

Labcorp Genetics (formerly Invitae), Labcorp
Classification: Benign for Gorlin syndrome. Last evaluated: 2024-08-27. Review status: criteria provided, single submitter. Criteria: Invitae Variant Classification Sherloc (09022015). Collection method: clinical testing. Allele origin: germline.

PreventionGenetics, part of Exact Sciences
Classification: Uncertain significance for PTCH1-related condition. Last evaluated: 2024-05-21. Review status: no assertion criteria provided. Collection method: clinical testing. Allele origin: germline. Not counted in ClinVar's aggregate classification.
Comment: The PTCH1 c.461A>G variant is predicted to result in the amino acid substitution p.Asn154Ser. To our knowledge, this variant has not been reported in the literature. This variant is reported in 0.0033% of alleles in individuals of South Asian descent in gnomAD. At this time, the clinical significance of this variant is uncertain due to the absence of conclusive functional and genetic evidence.